The following is an entry in ClinVar:

ClinVar aggregate classification (germline): Benign/Likely benign. Review status: criteria provided, multiple submitters, no conflicts (2 of 4 stars). 3 submissions from 3 submitters: Benign (1); Likely benign (2). Last evaluated 2025-07-25.

Conditions:
Rotor syndrome (HBLRR). Also called: HYPERBILIRUBINEMIA, ROTOR TYPE, DIGENIC; HYPERBILIRUBINEMIA, ROTOR TYPE. Identifiers: Orphanet 3111, MedGen C0220991, MONDO:0009379, OMIM 237450.

Allele frequency attached by ClinVar (database versions not stated): gnomAD exomes 0.00059 and 0.00166; ExAC 0.00222; gnomAD 0.00680 and 0.00698; TOPMed 0.00707; ESP Exome Variant Server 0.00862; 1000 Genomes Project 0.00938; 1000 Genomes Project 30x 0.00968.
gnomAD v4.1: 1,936 of 1,590,812 alleles (0.12%); highest among the groups gnomAD compares: African/African-American, 2.3%; 25 homozygotes.

Submissions (3):

ARUP Laboratories, Molecular Genetics and Genomics, ARUP Laboratories
Classification: Benign for Rotor syndrome. Last evaluated: 2025-07-25. Review status: criteria provided, single submitter. Criteria: ARUP Molecular Germline Variant Investigation Process 2024. Collection method: clinical testing. Allele origin: germline.

Center for Pediatric Genomic Medicine, Children's Mercy Hospital and Clinics
Classification: Likely benign. Last evaluated: 2016-10-11. Review status: criteria provided, single submitter. Criteria: ACMG Guidelines, 2015. Collection method: clinical testing. Allele origin: germline.
ClinVar note: Converted during submission from Likely Benign to Likely benign.

Breakthrough Genomics
Classification: Likely benign. Review status: criteria provided, single submitter. Criteria: ACMG Guidelines, 2015. Collection method: not provided. Allele origin: germline. Inheritance: Autosomal recessive inheritance. Affected: yes.

NM_019844.4(SLCO1B3):c.11A>G (p.His4Arg)

Genes: SLCO1B3-SLCO1B7 (SLCO1B3-SLCO1B7 readthrough; plus strand), SLCO1B3 (solute carrier organic anion transporter family member 1B3; plus strand). Cytogenetic location: 12p12.2.
Variant type: single nucleotide variant.
Coding change: c.11A>G on transcript NM_019844.4 (MANE Select); coding-DNA position 11, A replaced by G.
Protein change: p.His4Arg; replaces histidine 4 with arginine.
Molecular consequence: missense variant.
Genome position (GRCh38, 1-based): chr12:20,815,749, A>G. VCF-style: chr12-20815749-A-G. GRCh37 (hg19) VCF-style: chr12-20968683-A-G.
Other names: short protein forms H4R.
Identifiers: ClinVar variation 376892 (VCV000376892.16), dbSNP rs61612406, ClinGen allele CA6475026.